The following is an entry in ClinVar:

ClinVar aggregate classification (germline): Conflicting classifications of pathogenicity. Review status: criteria provided, conflicting classifications (1 of 4 stars). 2 submissions from 2 submitters: Uncertain significance (1); Likely benign (1). Last evaluated 2024-05-21.

Conditions:
Ataxia-telangiectasia syndrome (AT). Also called: Ataxia-telangiectasia, complementation group D; AT, COMPLEMENTATION GROUP C; Ataxia-telangiectasia, complementation group E; Cerebello-oculocutaneous telangiectasia; Immunodeficiency with ataxia telangiectasia; ATAXIA-TELANGIECTASIA, COMPLEMENTATION GROUP A. Identifiers: Orphanet 100, MedGen C0004135, MONDO:0008840, OMIM 208900.
Familial cancer of breast. Also called: hereditary breast carcinoma; BREAST CANCER, FAMILIAL; Hereditary breast cancer. Identifiers: Orphanet 227535, MedGen C0346153, MONDO:0016419, OMIM 114480. Disease mechanism: loss of function.

Submissions (2):

Myriad Genetics, Inc.
Classification: Likely benign for Familial cancer of breast. Last evaluated: 2024-05-21. Review status: criteria provided, single submitter. Criteria: Myriad Autosomal Dominant, Autosomal Recessive and X-Linked Classification Criteria (2023). Collection method: clinical testing. Allele origin: unknown.
Comment: This variant is considered likely benign. This variant is intronic and is not expected to impact mRNA splicing.

Mendelics
Classification: Uncertain significance for Ataxia-telangiectasia syndrome. Last evaluated: 2018-07-02. Review status: criteria provided, single submitter. Criteria: Mendelics Assertion Criteria 2017. Collection method: clinical testing. Allele origin: unknown.

NM_000051.4(ATM):c.4777-6T>C

Gene: ATM (ATM serine/threonine kinase; plus strand). Cytogenetic location: 11q22.3.
Variant type: single nucleotide variant.
Coding change: c.4777-6T>C on transcript NM_000051.4 (MANE Select); 6 bases into the intron before coding-DNA position 4777, T replaced by C.
Molecular consequence: intron variant.
Genome position (GRCh38, 1-based): chr11:108,294,921, T>C. VCF-style: chr11-108294921-T-C. GRCh37 (hg19) VCF-style: chr11-108165648-T-C.
Other names: c.4777-6T>C (NM_001351834.2).
Identifiers: ClinVar variation 584791 (VCV000584791.3), dbSNP rs1565465980, ClinGen allele CA891842926.